The following is an entry in ClinVar:

ClinVar aggregate classification (germline): Uncertain significance (1 of 4 stars; one submission).

Conditions:
Ehlers-Danlos syndrome, type 4 (EDSVASC). Also called: Ehlers-Danlos syndrome vascular type; Ehlers Danlos syndrome, ecchymotic type; Ehlers Danlos syndrome, arterial type; Ehlers Danlos syndrome, Sack-Barabas type; Ehlers-Danlos Syndrome Type IV. Identifiers: Orphanet 286, MedGen C0268338, MONDO:0017314, OMIM 130050.

Allele frequency attached by ClinVar (database versions not stated): gnomAD exomes below 0.00001; TOPMed below 0.00001; gnomAD 0.00001.
gnomAD v4.1: 2 of 1,613,866 alleles (0.00012%); highest among the groups gnomAD compares: Admixed American, 0.0017%; no homozygotes.

Submission:

Labcorp Genetics (formerly Invitae), Labcorp
Classification: Uncertain significance for Ehlers-Danlos syndrome, type 4. Last evaluated: 2022-06-19. Review status: criteria provided, single submitter. Criteria: Invitae Variant Classification Sherloc (09022015). Collection method: clinical testing. Allele origin: germline.
Comment: In summary, the available evidence is currently insufficient to determine the role of this variant in disease. Therefore, it has been classified as a Variant of Uncertain Significance. Advanced modeling of protein sequence and biophysical properties (such as structural, functional, and spatial information, amino acid conservation, physicochemical variation, residue mobility, and thermodynamic stability) performed at Invitae indicates that this missense variant is not expected to disrupt COL3A1 protein function. This variant has not been reported in the literature in individuals affected with COL3A1-related conditions. This variant is not present in population databases (gnomAD no frequency). This sequence change replaces proline, which is neutral and non-polar, with arginine, which is basic and polar, at codon 18 of the COL3A1 protein (p.Pro18Arg).

NM_000090.4(COL3A1):c.53C>G (p.Pro18Arg)

Gene: COL3A1 (collagen type III alpha 1 chain; plus strand). Cytogenetic location: 2q32.2.
Variant type: single nucleotide variant.
Coding change: c.53C>G on transcript NM_000090.4 (MANE Select); coding-DNA position 53, C replaced by G.
Protein change: p.Pro18Arg; replaces proline 18 with arginine.
Molecular consequence: missense variant.
Genome position (GRCh38, 1-based): chr2:188,974,542, C>G. VCF-style: chr2-188974542-C-G. GRCh37 (hg19) VCF-style: chr2-189839268-C-G.
Other names: short protein forms P18R.
Identifiers: ClinVar variation 1925108 (VCV001925108.4), dbSNP rs1687767062, ClinGen allele CA349845447.